The following is an entry in ClinVar:

NM_000548.5(TSC2):c.2000C>T (p.Thr667Ile)

Gene: TSC2 (TSC complex subunit 2; plus strand). Cytogenetic location: 16p13.3.
Variant type: single nucleotide variant.
Coding change: c.2000C>T on transcript NM_000548.5 (MANE Select); coding-DNA position 2000, C replaced by T.
Protein change: p.Thr667Ile; replaces threonine 667 with isoleucine.
Molecular consequence: missense variant.
Genome position (GRCh38, 1-based): chr16:2,071,837, C>T. VCF-style: chr16-2071837-C-T. GRCh37 (hg19) VCF-style: chr16-2121838-C-T.
Other names: c.2000C>T (NM_000548.3); c.2000C>T, p.Thr667Ile (NM_001370405.1, NM_021055.3, NM_001077183.3 and 3 more transcripts); c.1889C>T, p.Thr630Ile (NM_001318827.2); c.1853C>T, p.Thr618Ile (NM_001318829.2); c.1400C>T, p.Thr467Ile (NM_001318831.2); c.2033C>T, p.Thr678Ile (NM_001318832.2); short protein forms T467I, T618I, T630I, T667I, T678I.
Identifiers: ClinVar variation 1395830 (VCV001395830.7), dbSNP rs781533796, ClinGen allele CA035548.
Genomic context (GRCh38, chr16:2,071,837, plus strand): 5'-TCTGCAGGGAGCCAGAGAGAGGCTCTGAGAAGAAGACCAGCGGCCCCCTTTCTCCTCCCA[C>T]AGGGCCTCCTGGCCCGGCGCCTGCAGGCCCCGCCGTGCGGCTGGGGTCCGTGCCCTACTC-3'
Protein context (NP_000539.2, residues 657-677): KKTSGPLSPP[Thr667Ile]GPPGPAPAGP

ClinVar aggregate classification (germline): Conflicting classifications of pathogenicity. Review status: criteria provided, conflicting classifications (1 of 4 stars). 2 submissions from 2 submitters: Uncertain significance (1); Benign (1). Last evaluated 2024-08-13.

Conditions:
Hereditary cancer-predisposing syndrome. Also called: Hereditary neoplastic syndrome; Neoplastic Syndromes, Hereditary; Hereditary Cancer Syndrome; Tumor predisposition. Identifiers: Orphanet 140162, MedGen C0027672, MeSH D009386, MONDO:0015356.
Tuberous sclerosis 2 (TSC2). Identifiers: Orphanet 805, MedGen C1860707, MONDO:0013199, OMIM 613254.

Allele frequency attached by ClinVar (database versions not stated): gnomAD exomes below 0.00001; ExAC 0.00002.
gnomAD v4.1: 4 of 1,591,726 alleles (0.00025%); highest among the groups gnomAD compares: African/African-American, 0.0013%; no homozygotes.

Submissions (2):

Labcorp Genetics (formerly Invitae), Labcorp
Classification: Benign for Tuberous sclerosis 2. Last evaluated: 2024-08-13. Review status: criteria provided, single submitter. Criteria: Invitae Variant Classification Sherloc (09022015). Collection method: clinical testing. Allele origin: germline.

Ambry Genetics
Classification: Uncertain significance for Hereditary cancer-predisposing syndrome. Last evaluated: 2023-04-10. Review status: criteria provided, single submitter. Criteria: Ambry Variant Classification Scheme 2023. Collection method: clinical testing. Allele origin: germline.
Comment: The p.T667I variant (also known as c.2000C>T), located in coding exon 18 of the TSC2 gene, results from a C to T substitution at nucleotide position 2000. The threonine at codon 667 is replaced by isoleucine, an amino acid with similar properties. This amino acid position is not well conserved in available vertebrate species. In addition, the in silico prediction for this alteration is inconclusive. Since supporting evidence is limited at this time, the clinical significance of this alteration remains unclear.